The following is an entry in ClinVar:

ClinVar aggregate classification (germline): Uncertain significance. Review status: criteria provided, multiple submitters, no conflicts (2 of 4 stars). 2 submissions from 2 submitters: Uncertain significance (2). Last evaluated 2026-10-02.

Allele frequency attached by ClinVar (database versions not stated): gnomAD 0.00001; gnomAD exomes below 0.00001; TOPMed 0.00002.
gnomAD v4.1: 2 of 1,531,086 alleles (0.00013%); highest among the groups gnomAD compares: African/African-American, 0.0028%; no homozygotes.

Submissions (2):

GeneDx
Classification: Uncertain significance. Last evaluated: 2026-10-02. Review status: criteria provided, single submitter. Criteria: GeneDx Variant Classification Process June 2021. Collection method: clinical testing. Allele origin: germline.
Comment: Not observed at significant frequency in large population cohorts (gnomAD); In silico analysis supports that this missense variant has a deleterious effect on protein structure/function; Has not been previously published as pathogenic or benign to our knowledge

Labcorp Genetics (formerly Invitae), Labcorp
Classification: Uncertain significance. Last evaluated: 2022-05-07. Review status: criteria provided, single submitter. Criteria: Invitae Variant Classification Sherloc (09022015). Collection method: clinical testing. Allele origin: germline.
Comment: This sequence change replaces glycine, which is neutral and non-polar, with glutamic acid, which is acidic and polar, at codon 20 of the TK2 protein (p.Gly20Glu). This variant is not present in population databases (gnomAD no frequency). This variant has not been reported in the literature in individuals affected with TK2-related conditions. Advanced modeling of protein sequence and biophysical properties (such as structural, functional, and spatial information, amino acid conservation, physicochemical variation, residue mobility, and thermodynamic stability) performed at Invitae indicates that this missense variant is not expected to disrupt TK2 protein function. In summary, the available evidence is currently insufficient to determine the role of this variant in disease. Therefore, it has been classified as a Variant of Uncertain Significance.

NM_004614.5(TK2):c.59G>A (p.Gly20Glu)

Genes: TK2 (thymidine kinase 2; minus strand), LOC130059156 (ATAC-STARR-seq lymphoblastoid silent region 7560; plus strand). Cytogenetic location: 16q21.
Variant type: single nucleotide variant.
Coding change: c.59G>A on transcript NM_004614.5 (MANE Select); coding-DNA position 59, G replaced by A.
Protein change: p.Gly20Glu; replaces glycine 20 with glutamic acid.
Molecular consequence: missense variant. On other transcripts: 5 prime UTR variant (2), non-coding transcript variant (1), intron variant (2).
Genome position (GRCh38, 1-based): chr16:66,550,003, C>T on the plus strand (G>A on the coding strand, the complement: TK2 is on the minus strand). VCF-style: chr16-66550003-C-T. GRCh37 (hg19) VCF-style: chr16-66583906-C-T.
Other names: c.59G>A, p.Gly20Glu (NM_001172645.2, NM_001172644.2); c.-184G>A (NM_001271934.2); c.-594G>A (NM_001272050.2); c.31+250G>A (NM_001271935.1, NM_001172643.1); c.59G>A (NM_004614.4); short protein forms G20E.
Identifiers: ClinVar variation 1932443 (VCV001932443.4), dbSNP rs944531241, ClinGen allele CA282199425.